The following is an entry in ClinVar:

NM_005198.5(CHKB):c.1032-2A>G

Genes: CHKB-CPT1B (CHKB-CPT1B readthrough (NMD candidate); minus strand), CHKB (choline kinase beta; minus strand). Cytogenetic location: 22q13.33.
Variant type: single nucleotide variant.
Coding change: c.1032-2A>G on transcript NM_005198.5 (MANE Select); the canonical splice acceptor site of the intron before coding-DNA position 1032, A replaced by G.
Molecular consequence: splice acceptor variant.
Genome position (GRCh38, 1-based): chr22:50,579,509, T>C on the plus strand (A>G on the coding strand, the complement: CHKB is on the minus strand). VCF-style: chr22-50579509-T-C. GRCh37 (hg19) VCF-style: chr22-51017938-T-C.
Identifiers: ClinVar variation 536363 (VCV000536363.7), dbSNP rs1555894289, ClinGen allele CA412195056.

ClinVar aggregate classification (germline): Likely pathogenic (1 of 4 stars; one submission).

Conditions:
Megaconial type congenital muscular dystrophy (MDCMC). Also called: CHKB-Related Muscle Diseases; CHKB-Related Muscular Dystrophy; MUSCULAR DYSTROPHY, CONGENITAL, WITH MITOCHONDRIAL STRUCTURAL ABNORMALITIES. Identifiers: Orphanet 280671, MedGen C1865233, MONDO:0011246, OMIM 602541.

Allele frequency attached by ClinVar (database versions not stated): TOPMed 0.00001.

Submission:

Labcorp Genetics (formerly Invitae), Labcorp
Classification: Likely pathogenic for Megaconial type congenital muscular dystrophy. Last evaluated: 2022-09-27. Review status: criteria provided, single submitter. Criteria: Invitae Variant Classification Sherloc (09022015). Collection method: clinical testing. Allele origin: germline.
Comment: This variant has not been reported in the literature in individuals affected with CHKB-related conditions. This variant is not present in population databases (gnomAD no frequency). This sequence change affects an acceptor splice site in intron 9 of the CHKB gene. It is expected to disrupt RNA splicing. Variants that disrupt the donor or acceptor splice site typically lead to a loss of protein function (PMID: 16199547), and loss-of-function variants in CHKB are known to be pathogenic (PMID: 21665002). ClinVar contains an entry for this variant (Variation ID: 536363). In summary, the currently available evidence indicates that the variant is pathogenic, but additional data are needed to prove that conclusively. Therefore, this variant has been classified as Likely Pathogenic. Algorithms developed to predict the effect of sequence changes on RNA splicing suggest that this variant may disrupt the consensus splice site.

Literature cited by the submitters: PubMed 16199547; PubMed 21665002.